The following is an entry in ClinVar:

NM_001042492.3(NF1):c.2954A>T (p.Gln985Leu)

Gene: NF1 (neurofibromin 1; plus strand). Cytogenetic location: 17q11.2.
Variant type: single nucleotide variant.
Coding change: c.2954A>T on transcript NM_001042492.3 (MANE Select); coding-DNA position 2954, A replaced by T.
Protein change: p.Gln985Leu; replaces glutamine 985 with leucine.
Molecular consequence: missense variant.
Genome position (GRCh38, 1-based): chr17:31,229,938, A>T. VCF-style: chr17-31229938-A-T. GRCh37 (hg19) VCF-style: chr17-29556956-A-T.
Other names: c.2954A>T, p.Gln985Leu (NM_000267.4); short protein forms Q985L.
Identifiers: ClinVar variation 578168 (VCV000578168.5), dbSNP rs1567849565, ClinGen allele CA398986325.

ClinVar aggregate classification (germline): Uncertain significance (1 of 4 stars; one submission).

Conditions:
Neurofibromatosis, type 1 (NF1). Also called: Peripheral type neurofibromatosis; Neurofibromatosis, type I; VON RECKLINGHAUSEN DISEASE; NEUROFIBROMATOSIS, TYPE I, SOMATIC. Identifiers: Orphanet 636, MedGen C0027831, MONDO:0018975, OMIM 162200. Disease mechanism: loss of function.

Submission:

Labcorp Genetics (formerly Invitae), Labcorp
Classification: Uncertain significance for Neurofibromatosis, type 1. Last evaluated: 2025-07-15. Review status: criteria provided, single submitter. Criteria: Invitae Variant Classification Sherloc (09022015). Collection method: clinical testing. Allele origin: germline.
Comment: This sequence change replaces glutamine, which is neutral and polar, with leucine, which is neutral and non-polar, at codon 985 of the NF1 protein (p.Gln985Leu). This variant is not present in population databases (gnomAD no frequency). This variant has not been reported in the literature in individuals affected with NF1-related conditions. ClinVar contains an entry for this variant (Variation ID: 578168). Invitae Evidence Modeling of protein sequence and biophysical properties (such as structural, functional, and spatial information, amino acid conservation, physicochemical variation, residue mobility, and thermodynamic stability) has been performed for this missense variant. However, the output from this modeling did not meet the statistical confidence thresholds required to predict the impact of this variant on NF1 protein function. In summary, the available evidence is currently insufficient to determine the role of this variant in disease. Therefore, it has been classified as a Variant of Uncertain Significance.